The following is an entry in ClinVar:

NM_001387690.1(KATNAL2):c.52-17841G>A

Gene: KATNAL2 (katanin catalytic subunit A1 like 2; plus strand). Cytogenetic location: 18q21.1.
Variant type: single nucleotide variant.
Coding change: c.52-17841G>A on transcript NM_001387690.1 (MANE Select); 17841 bases into the intron before coding-DNA position 52, G replaced by A.
Molecular consequence: intron variant.
Genome position (GRCh38, 1-based): chr18:47,028,616, G>A. VCF-style: chr18-47028616-G-A. GRCh37 (hg19) VCF-style: chr18-44554987-G-A.
Other names: NM_145653.3:c.1227C>T; c.-1-29619G>A (NM_001353904.1, NM_001353903.1, NM_001353907.1 and 3 more transcripts); c.130-17841G>A (NM_001353899.1, NM_001353900.1, NM_001353902.1); c.52-17841G>A (NM_001353901.1, NM_001367621.1); c.-294-17841G>A (NM_001353905.1); c.-94-24264G>A (NM_031303.3).
Identifiers: ClinVar variation 3349331 (VCV003349331.1).

ClinVar aggregate classification (germline): Likely benign (0 of 4 stars; one submission).

Conditions:
ELOA3P-related condition.

Submission:

PreventionGenetics, part of Exact Sciences
Classification: Likely benign for ELOA3P-related condition. Last evaluated: 2021-12-08. Review status: no assertion criteria provided. Collection method: clinical testing. Allele origin: germline.
Comment: This variant is classified as likely benign based on ACMG/AMP sequence variant interpretation guidelines (Richards et al. 2015 PMID: 25741868, with internal and published modifications).